The following is an entry in ClinVar:

NM_207346.2(TSEN54):c.-288A>C

Gene: TSEN54 (tRNA splicing endonuclease subunit 54; plus strand). Cytogenetic location: 17q25.1.
Variant type: single nucleotide variant.
Coding change: c.-288A>C on transcript NM_207346.2; 288 bases upstream of the start codon, A replaced by C.
Genome position (GRCh38, 1-based): chr17:75,516,273, A>C. VCF-style: chr17-75516273-A-C. GRCh37 (hg19) VCF-style: chr17-73512354-A-C.
Identifiers: ClinVar variation 667571 (VCV000667571.4), dbSNP rs62088462, ClinGen allele CA14411119.
Genomic context (GRCh38, chr17:75,516,273, plus strand): 5'-TAAGCAGCGCGAGGCTGCAGAGGGGCGGTCACAAGTGTGACCATTCGCACTGCACTCCAG[A>C]CGCCGGCTCCTCAGGCTTTACTGGAGAGAAGCCCCGAGGAGGGCTAGGGGCAAAAGAGGG-3'

ClinVar aggregate classification (germline): Benign. Review status: criteria provided, multiple submitters, no conflicts (2 of 4 stars). 2 submissions from 2 submitters: Benign (2). Last evaluated 2018-06-14.

Allele frequency attached by ClinVar (database versions not stated): 1000 Genomes Project 0.26857; 1000 Genomes Project 30x 0.27764; gnomAD exomes 0.16790; gnomAD 0.30241 and 0.29396; TOPMed 0.30602.

Submissions (2):

GeneDx
Classification: Benign. Last evaluated: 2018-06-14. Review status: criteria provided, single submitter. Criteria: GeneDx Variant Classification (06012015). Collection method: clinical testing. Allele origin: germline. Affected: yes.
Comment: This variant is considered likely benign or benign based on one or more of the following criteria: it is a conservative change, it occurs at a poorly conserved position in the protein, it is predicted to be benign by multiple in silico algorithms, and/or has population frequency not consistent with disease.

Breakthrough Genomics
Classification: Benign. Review status: criteria provided, single submitter. Criteria: ACMG Guidelines, 2015. Collection method: not provided. Allele origin: germline. Inheritance: Autosomal recessive inheritance. Affected: yes.